The following is an entry in ClinVar:

ClinVar aggregate classification (germline): Uncertain significance (1 of 4 stars; one submission).

Allele frequency attached by ClinVar (database versions not stated): gnomAD exomes 0.00001 and 0.00002; ExAC 0.00002.
gnomAD v4.1: 17 of 1,614,234 alleles (0.0011%); highest among the groups gnomAD compares: South Asian, 0.018%; no homozygotes.

Submission:

Labcorp Genetics (formerly Invitae), Labcorp
Classification: Uncertain significance. Last evaluated: 2023-08-17. Review status: criteria provided, single submitter. Criteria: Invitae Variant Classification Sherloc (09022015). Collection method: clinical testing. Allele origin: germline.
Comment: In summary, the available evidence is currently insufficient to determine the role of this variant in disease. Therefore, it has been classified as a Variant of Uncertain Significance. An algorithm developed to predict the effect of missense changes on protein structure and function (PolyPhen-2) suggests that this variant¬†is likely to be tolerated. ClinVar contains an entry for this variant (Variation ID: 1051291). This variant has not been reported in the literature in individuals affected with SH3PXD2B-related conditions. This variant is present in population databases (rs753812941, gnomAD 0.02%). This sequence change replaces lysine, which is basic and polar, with threonine, which is neutral and polar, at codon 492 of the SH3PXD2B protein (p.Lys492Thr).

NM_001017995.3(SH3PXD2B):c.1475A>C (p.Lys492Thr)

Gene: SH3PXD2B (SH3 and PX domains 2B; minus strand). Cytogenetic location: 5q35.1.
Variant type: single nucleotide variant.
Coding change: c.1475A>C on transcript NM_001017995.3 (MANE Select); coding-DNA position 1475, A replaced by C.
Protein change: p.Lys492Thr; replaces lysine 492 with threonine.
Molecular consequence: missense variant. On other transcripts: intron variant (1).
Genome position (GRCh38, 1-based): chr5:172,339,630, T>G on the plus strand (A>C on the coding strand, the complement: SH3PXD2B is on the minus strand). VCF-style: chr5-172339630-T-G. GRCh37 (hg19) VCF-style: chr5-171766634-T-G.
Other names: c.1188+6506A>C (NM_001308175.2); short protein forms K492T.
Identifiers: ClinVar variation 1051291 (VCV001051291.5), dbSNP rs753812941, ClinGen allele CA3561175.
Genomic context (GRCh38, chr5:172,339,630, plus strand): 5'-GAGATCTCCTCGTAGCCTGCTGACGCAGACATGTCTGAAGATGCCTTCCTCAGGACATCC[T>G]TACTGCCCTTCCAGTCTTTAGACCATGGCAACCCCGAGTCCATGACACCATGCGGTGCGT-3'
Protein context (NP_001017995.1, residues 482-502): LPWSKDWKGS[Lys492Thr]DVLRKASSDM